The following is an entry in ClinVar:

ClinVar aggregate classification (germline): Uncertain significance (1 of 4 stars; one submission).

Allele frequency attached by ClinVar (database versions not stated): gnomAD 0.00001; ExAC 0.00005; 1000 Genomes Project 0.00020; 1000 Genomes Project 30x 0.00031.
gnomAD v4.1: 13 of 1,614,164 alleles (0.00081%); highest among the groups gnomAD compares: African/African-American, 0.0013%; no homozygotes.

Submission:

Labcorp Genetics (formerly Invitae), Labcorp
Classification: Uncertain significance. Last evaluated: 2022-05-27. Review status: criteria provided, single submitter. Criteria: Invitae Variant Classification Sherloc (09022015). Collection method: clinical testing. Allele origin: germline.
Comment: This sequence change replaces methionine, which is neutral and non-polar, with leucine, which is neutral and non-polar, at codon 777 of the AGBL5 protein (p.Met777Leu). This variant is present in population databases (rs570149237, gnomAD 0.005%). This variant has not been reported in the literature in individuals affected with AGBL5-related conditions. Algorithms developed to predict the effect of missense changes on protein structure and function (SIFT, PolyPhen-2, Align-GVGD) all suggest that this variant is likely to be tolerated. In summary, the available evidence is currently insufficient to determine the role of this variant in disease. Therefore, it has been classified as a Variant of Uncertain Significance.

NM_021831.6(AGBL5):c.2329A>T (p.Met777Leu)

Gene: AGBL5 (AGBL carboxypeptidase 5; plus strand). Cytogenetic location: 2p23.3.
Variant type: single nucleotide variant.
Coding change: c.2329A>T on transcript NM_021831.6 (MANE Select); coding-DNA position 2329, A replaced by T.
Protein change: p.Met777Leu; replaces methionine 777 with leucine.
Molecular consequence: missense variant. On other transcripts: non-coding transcript variant (2).
Genome position (GRCh38, 1-based): chr2:27,068,718, A>T. VCF-style: chr2-27068718-A-T. GRCh37 (hg19) VCF-style: chr2-27291586-A-T.
Other names: c.2329A>T, p.Met777Leu (NM_001035506.1); short protein forms M777L.
Identifiers: ClinVar variation 1975645 (VCV001975645.2), dbSNP rs570149237, ClinGen allele CA1568188.